The following is an entry in ClinVar:

ClinVar aggregate classification (germline): Uncertain significance. Review status: criteria provided, multiple submitters, no conflicts (2 of 4 stars). 2 submissions from 2 submitters: Uncertain significance (2). Last evaluated 2023-06-17.

Conditions:
Myopathy, centronuclear, 2 (CNM2). Also called: MYOTUBULAR MYOPATHY, AUTOSOMAL RECESSIVE. Identifiers: Orphanet 169186, MedGen CN031787, MONDO:0009709, OMIM 255200.

Allele frequency attached by ClinVar (database versions not stated): TOPMed below 0.00001; ExAC 0.00001; gnomAD 0.00001.

Submissions (2):

Labcorp Genetics (formerly Invitae), Labcorp
Classification: Uncertain significance for Myopathy, centronuclear, 2. Last evaluated: 2023-06-17. Review status: criteria provided, single submitter. Criteria: Invitae Variant Classification Sherloc (09022015). Collection method: clinical testing. Allele origin: germline.
Comment: This sequence change replaces arginine, which is basic and polar, with histidine, which is basic and polar, at codon 139 of the BIN1 protein (p.Arg139His). This variant is present in population databases (rs755355125, gnomAD 0.006%). In summary, the available evidence is currently insufficient to determine the role of this variant in disease. Therefore, it has been classified as a Variant of Uncertain Significance. Advanced modeling of protein sequence and biophysical properties (such as structural, functional, and spatial information, amino acid conservation, physicochemical variation, residue mobility, and thermodynamic stability) performed at Invitae indicates that this missense variant is expected to disrupt BIN1 protein function. ClinVar contains an entry for this variant (Variation ID: 386126). This variant has not been reported in the literature in individuals affected with BIN1-related conditions.

GeneDx
Classification: Uncertain significance. Last evaluated: 2017-08-23. Review status: criteria provided, single submitter. Criteria: GeneDx Variant Classification (06012015). Collection method: clinical testing. Allele origin: germline. Affected: yes.
Comment: The R139H variant in the BIN1 gene has not been reported previously as a pathogenic variant, nor as a benign variant, to our knowledge. This variant was not observed in approximately 6500 individuals of European and African American ancestry in the NHLBI Exome Sequencing Project, indicating it is not a common benign variant in these populations. The R139H variant is a conservative amino acid substitution, which is not likely to impact secondary protein structure as these residues share similar properties. However, this substitution occurs at a position that is conserved across species, and in silico analysis predicts this variant is probably damaging to the protein structure/function. We interpret R139H as a variant of uncertain significance.

NM_139343.3(BIN1):c.416G>A (p.Arg139His)

Gene: BIN1 (bridging integrator 1; minus strand). Cytogenetic location: 2q14.3.
Variant type: single nucleotide variant.
Coding change: c.416G>A on transcript NM_139343.3 (MANE Select); coding-DNA position 416, G replaced by A.
Protein change: p.Arg139His; replaces arginine 139 with histidine.
Molecular consequence: missense variant.
Genome position (GRCh38, 1-based): chr2:127,069,027, C>T on the plus strand (G>A on the coding strand, the complement: BIN1 is on the minus strand). VCF-style: chr2-127069027-C-T. GRCh37 (hg19) VCF-style: chr2-127826603-C-T.
Other names: c.416G>A, p.Arg139His (NM_001320632.2, NM_001320633.2, NM_001320640.2 and 10 more transcripts); c.344G>A, p.Arg115His (NM_001320634.1); c.335G>A, p.Arg112His (NM_001320642.1); short protein forms R139H, R115H, R112H.
Identifiers: ClinVar variation 386126 (VCV000386126.5), dbSNP rs755355125, ClinGen allele CA1857478.